The following is an entry in ClinVar:

ClinVar aggregate classification (germline): Benign. Review status: reviewed by expert panel (3 of 4 stars). 14 submissions from 14 submitters: Benign (1). 13 of the submissions do not count toward it. Last evaluated 2023-10-01.

Conditions:
Cardiovascular phenotype. Identifiers: MedGen CN230736.
Glycogen storage disease, type II (IOPD). Also called: POMPE DISEASE, INFANTILE-ONSET; GLYCOGEN STORAGE DISEASE II, INFANTILE-ONSET; ACID ALPHA-GLUCOSIDASE DEFICIENCY, INFANTILE-ONSET; GAA DEFICIENCY, INFANTILE-ONSET; ACID MALTASE DEFICIENCY, INFANTILE-ONSET; GLYCOGENOSIS, GENERALIZED, CARDIAC FORM. Identifiers: Orphanet 365, MedGen C0017921, MONDO:0009290, OMIM 232300.
Hypertrophic cardiomyopathy. Also called: HYPERTROPHIC MYOCARDIOPATHY. Identifiers: Orphanet 217569, MedGen C0007194, MeSH D002312, MONDO:0005045, HP:0001639.

Allele frequency attached by ClinVar (database versions not stated): gnomAD 0.00002 and 0.00089; TOPMed 0.00019; gnomAD exomes 0.00165 and 0.00338; ExAC 0.00365; 1000 Genomes Project 30x 0.00703; 1000 Genomes Project 0.00739.
gnomAD v4.1: 2,584 of 1,612,768 alleles (0.16%); highest among the groups gnomAD compares: South Asian, 2.6%; 40 homozygotes.

Submissions (14):

ClinGen Lysosomal Storage Disorder Variant Curation Expert Panel
Classification: Benign for Glycogen storage disease, type II. Last evaluated: 2023-10-01. Review status: reviewed by expert panel. Criteria: clingen_lsd_acmg_specifications_v2-1. Collection method: curation. Allele origin: germline. Inheritance: Autosomal recessive inheritance.
Comment: The NM_000152.5:c.2668G>C variant in GAA is predicted to result in the missense substitution of valine by leucine at amino acid position 890. The highest population minor allele frequency in gnomAD v2.1.1 is 0.02652 (812/30616 alleles with 13 homozygotes) in the South Asian population, which is higher than the ClinGen LSD VCEP’s threshold for BA1 (>0.01), and therefore meets this criterion (BA1). There is a ClinVar entry for this variant (Variation ID: 255361). In summary, this variant meets the criteria to be classified as benign for Pompe disease. GAA-specific ACMG/AMP criteria met, as specified by the ClinGen Lysosomal Diseases VCEP (Specifications Version 2.0): BA1. (Classified approved by the ClinGen Lysosomal Diseases Variant Curation Expert Panel on October 1, 2023).

Labcorp Genetics (formerly Invitae), Labcorp
Classification: Benign for Glycogen storage disease, type II. Last evaluated: 2026-02-04. Review status: criteria provided, single submitter. Criteria: Invitae Variant Classification Sherloc (09022015). Collection method: clinical testing. Allele origin: germline. Not counted in ClinVar's aggregate classification.

Mayo Clinic Laboratories, Mayo Clinic
Classification: Likely benign. Last evaluated: 2025-10-13. Review status: criteria provided, single submitter. Criteria: ACMG Guidelines, 2015. Collection method: clinical testing. Allele origin: germline. Observed: 4 variant alleles. Not counted in ClinVar's aggregate classification.
Comment: BS1, BP4

Blueprint Genetics
Classification: Likely benign. Last evaluated: 2024-11-27. Review status: criteria provided, single submitter. Criteria: ACMG Guidelines, 2015. Collection method: clinical testing. Allele origin: germline. Not counted in ClinVar's aggregate classification.

ARUP Laboratories, Molecular Genetics and Genomics, ARUP Laboratories
Classification: Benign for Glycogen storage disease, type II. Last evaluated: 2023-10-23. Review status: criteria provided, single submitter. Criteria: ARUP Molecular Germline Variant Investigation Process 2024. Collection method: clinical testing. Allele origin: germline. Not counted in ClinVar's aggregate classification.

Ambry Genetics
Classification: Likely benign for Cardiovascular phenotype. Last evaluated: 2023-01-14. Review status: criteria provided, single submitter. Criteria: Ambry Variant Classification Scheme 2023. Collection method: clinical testing. Allele origin: germline. Not counted in ClinVar's aggregate classification.

Genome-Nilou Lab
Classification: Likely benign for Glycogen storage disease, type II. Last evaluated: 2021-07-14. Review status: criteria provided, single submitter. Criteria: ACMG Guidelines, 2015. Collection method: clinical testing. Allele origin: germline. Affected: no. Not counted in ClinVar's aggregate classification.

Broad Center for Mendelian Genomics, Broad Institute of MIT and Harvard
Classification: Benign for Glycogen storage disease, type II. Last evaluated: 2020-01-22. Review status: criteria provided, single submitter. Criteria: ACMG Guidelines, 2015. Collection method: curation. Allele origin: germline. Inheritance: Autosomal recessive inheritance. Not counted in ClinVar's aggregate classification.
Comment: The p.Val890Leu variant in GAA has been reported as a benign variant (by GeneDx, Invitae, EGL, and Prevention Genetics) and a VUS (by Illumina) in ClinVar (Variation ID: 255361). This variant has been identified in 2.652% (812/30616) of South Asian chromosomes, including 13 homozygotes, as well as other populations at lesser frequencies by the Genome Aggregation Database (gnomAD; dbSNP rs377286472). This variant has been seen in the general population at a frequency high enough to rule out a pathogenic role. Computational prediction tools and conservation analyses suggest that this variant may not impact the protein, though this information is not predictive enough to rule out pathogenicity. In summary, this variant meets criteria to be classified as benign for Glycogen Storage Disease II in an autosomal recessive manner based on its frequency in the general population. ACMG/AMP Criteria applied: BA1, BP4 (Richards 2015).

Illumina Laboratory Services, Illumina
Classification: Likely benign for Glycogen storage disease, type II. Last evaluated: 2018-01-13. Review status: criteria provided, single submitter. Criteria: ICSL Variant Classification Criteria 13 December 2019. Collection method: clinical testing. Allele origin: germline. Not counted in ClinVar's aggregate classification.
Comment: This variant was observed in the ICSL laboratory as part of a predisposition screen in an ostensibly healthy population. It had not been previously curated by ICSL or reported in the Human Gene Mutation Database (HGMD: prior to June 1st, 2018), and was therefore a candidate for classification through an automated scoring system. Utilizing variant allele frequency, disease prevalence and penetrance estimates, and inheritance mode, an automated score was calculated to assess if this variant is too frequent to cause the disease. Based on the score and internal cut-off values, a variant classified as likely benign is not then subjected to further curation. The score for this variant resulted in a classification of likely benign for this disease.

Center for Advanced Laboratory Medicine, UC San Diego Health, University of California San Diego
Classification: Likely benign for Hypertrophic cardiomyopathy. Last evaluated: 2017-11-14. Review status: criteria provided, single submitter. Criteria: ACMG Guidelines, 2015. Collection method: clinical testing. Allele origin: germline. Affected: yes. Observed: 1 variant allele. Not counted in ClinVar's aggregate classification.

GeneDx
Classification: Benign. Last evaluated: 2016-08-08. Review status: criteria provided, single submitter. Criteria: GeneDx Variant Classification (06012015). Collection method: clinical testing. Allele origin: germline. Affected: yes. Not counted in ClinVar's aggregate classification.
Comment: This variant is considered likely benign or benign based on one or more of the following criteria: it is a conservative change, it occurs at a poorly conserved position in the protein, it is predicted to be benign by multiple in silico algorithms, and/or has population frequency not consistent with disease.

Eurofins Ntd Llc (ga)
Classification: Benign. Last evaluated: 2015-09-18. Review status: criteria provided, single submitter. Criteria: EGL Classification Definitions 2015. Collection method: clinical testing. Allele origin: germline. Observed: 1 variant allele, 1 heterozygote. Not counted in ClinVar's aggregate classification.

PreventionGenetics, part of Exact Sciences
Classification: Benign. Review status: criteria provided, single submitter. Criteria: ACMG Guidelines, 2015. Collection method: clinical testing. Allele origin: germline. Not counted in ClinVar's aggregate classification.

Natera, Inc.
Classification: Likely benign for Glycogen storage disease type II. Last evaluated: 2019-10-24. Review status: no assertion criteria provided. Collection method: clinical testing. Allele origin: germline. Not counted in ClinVar's aggregate classification.

NM_000152.5(GAA):c.2668G>C (p.Val890Leu)

Gene: GAA (alpha glucosidase; plus strand). Cytogenetic location: 17q25.3.
Variant type: single nucleotide variant.
Coding change: c.2668G>C on transcript NM_000152.5 (MANE Select); coding-DNA position 2668, G replaced by C.
Protein change: p.Val890Leu; replaces valine 890 with leucine.
Molecular consequence: missense variant.
Genome position (GRCh38, 1-based): chr17:80,118,674, G>C. VCF-style: chr17-80118674-G-C. GRCh37 (hg19) VCF-style: chr17-78092473-G-C.
Other names: NM_000152.5(GAA):c.2668G>C; c.2668G>C, p.Val890Leu (NM_001079803.3, NM_001079804.3); c.2668G>C (LRG_673t1); short protein forms V890L.
Identifiers: ClinVar variation 255361 (VCV000255361.33), dbSNP rs377286472, ClinGen allele CA8815831.